The following is an entry in ClinVar:

NM_000090.4(COL3A1):c.*34T>G

Gene: COL3A1 (collagen type III alpha 1 chain; plus strand). Cytogenetic location: 2q32.2.
Variant type: single nucleotide variant.
Coding change: c.*34T>G on transcript NM_000090.4 (MANE Select); 34 bases downstream of the stop codon, T replaced by G.
Molecular consequence: 3 prime UTR variant.
Genome position (GRCh38, 1-based): chr2:189,011,808, T>G. VCF-style: chr2-189011808-T-G. GRCh37 (hg19) VCF-style: chr2-189876534-T-G.
Identifiers: ClinVar variation 333072 (VCV000333072.5), dbSNP rs191843385, ClinGen allele CA076147.

ClinVar aggregate classification (germline): Benign (1 of 4 stars; one submission).

Conditions:
Ehlers-Danlos syndrome, type 4 (EDSVASC). Also called: Ehlers-Danlos Syndrome Type IV; Ehlers-Danlos syndrome vascular type; Ehlers Danlos syndrome, ecchymotic type; Ehlers Danlos syndrome, arterial type; Ehlers Danlos syndrome, Sack-Barabas type. Identifiers: Orphanet 286, MedGen C0268338, MONDO:0017314, OMIM 130050.

Allele frequency attached by ClinVar (database versions not stated): 1000 Genomes Project 0.00180; 1000 Genomes Project 30x 0.00187; TOPMed 0.00476; ESP Exome Variant Server 0.00515; gnomAD exomes 0.00578; ExAC 0.00632; gnomAD 0.00838.
gnomAD v4.1: 11,891 of 1,611,902 alleles (0.74%); highest among the groups gnomAD compares: Non-Finnish European, 0.89%; 58 homozygotes.

Submission:

Illumina Laboratory Services, Illumina
Classification: Benign for Ehlers-Danlos syndrome, type 4. Last evaluated: 2018-01-13. Review status: criteria provided, single submitter. Criteria: ICSL Variant Classification Criteria 13 December 2019. Collection method: clinical testing. Allele origin: germline.
Comment: This variant was observed in the ICSL laboratory as part of a predisposition screen in an ostensibly healthy population. It had not been previously curated by ICSL or reported in the Human Gene Mutation Database (HGMD: prior to June 1st, 2018), and was therefore a candidate for classification through an automated scoring system. Utilizing variant allele frequency, disease prevalence and penetrance estimates, and inheritance mode, an automated score was calculated to assess if this variant is too frequent to cause the disease. Based on the score and internal cut-off values, a variant classified as benign is not then subjected to further curation. The score for this variant resulted in a classification of benign for this disease.